The following is an entry in ClinVar:

ClinVar aggregate classification (germline): Likely pathogenic. Review status: criteria provided, multiple submitters, no conflicts (2 of 4 stars). 2 submissions from 2 submitters: Likely pathogenic (2). Last evaluated 2022-03-15.

Conditions:
HYPERHOMOCYSTEINEMIA, THROMBOTIC, CBS-RELATED. Identifiers: MedGen C3150344, OMIM 236200.
Classic homocystinuria. Also called: Homocystinuria due to Cystathionine Beta-Synthase Deficiency; HOMOCYSTINURIA WITH OR WITHOUT RESPONSE TO PYRIDOXINE; Homocystinuria due to CBS deficiency; Cystathionine beta-synthase deficiency; CBS deficiency. Identifiers: Orphanet 394, MedGen C0751202, MONDO:0009352, OMIM 236200.

Submissions (2):

Labcorp Genetics (formerly Invitae), Labcorp
Classification: Likely pathogenic for HYPERHOMOCYSTEINEMIA, THROMBOTIC, CBS-RELATED. Last evaluated: 2022-03-15. Review status: criteria provided, single submitter. Criteria: Invitae Variant Classification Sherloc (09022015). Collection method: clinical testing. Allele origin: germline.
Comment: This sequence change replaces leucine, which is neutral and non-polar, with proline, which is neutral and non-polar, at codon 338 of the CBS protein (p.Leu338Pro). This variant is not present in population databases (gnomAD no frequency). This missense change has been observed in individual(s) with homocystinuria (PMID: 12815602). Algorithms developed to predict the effect of missense changes on protein structure and function are either unavailable or do not agree on the potential impact of this missense change (SIFT: "Deleterious"; PolyPhen-2: "Probably Damaging"; Align-GVGD: "Class C0"). Experimental studies have shown that this missense change affects CBS function (PMID: 16429402). In summary, the currently available evidence indicates that the variant is pathogenic, but additional data are needed to prove that conclusively. Therefore, this variant has been classified as Likely Pathogenic.

Juno Genomics, Hangzhou Juno Genomics, Inc
Classification: Likely pathogenic for Classic homocystinuria. Review status: criteria provided, single submitter. Criteria: ACMG Guidelines, 2015. Collection method: clinical testing. Allele origin: germline.
Comment: Absent from controls (or at extremely low frequency if recessive) in Genome Aggregation Database.;Multiple lines of computational evidence support a deleterious effect on the gene or gene product.;For recessive disorders, detected in trans with a pathogenic variant.;Patient's phenotype or family history is highly specific for a disease with a single genetic etiology.

Literature cited by the submitters: PubMed 12815602 (cited by Labcorp Genetics (formerly Invitae), Labcorp); PubMed 16429402 (cited by Labcorp Genetics (formerly Invitae), Labcorp).

NM_000071.3(CBS):c.1013T>C (p.Leu338Pro)

Gene: CBS (cystathionine beta-synthase; minus strand). Cytogenetic location: 21q22.3.
Variant type: single nucleotide variant.
Coding change: c.1013T>C on transcript NM_000071.3 (MANE Select); coding-DNA position 1013, T replaced by C.
Protein change: p.Leu338Pro; replaces leucine 338 with proline.
Molecular consequence: missense variant.
Genome position (GRCh38, 1-based): chr21:43,062,337, A>G on the plus strand (T>C on the coding strand, the complement: CBS is on the minus strand). VCF-style: chr21-43062337-A-G. GRCh37 (hg19) VCF-style: chr21-44482447-A-G.
Other names: c.1013T>C, p.Leu338Pro (NM_001178008.3, NM_001178009.3, NM_001320298.2); c.698T>C, p.Leu233Pro (NM_001321072.1); short protein forms L233P, L338P.
Identifiers: ClinVar variation 2138393 (VCV002138393.3), dbSNP rs2517424483, ClinGen allele CA410599787.